The following is an entry in ClinVar:

NM_001123385.2(BCOR):c.1595T>C (p.Leu532Ser)

Genes: BCOR (BCL6 corepressor; minus strand), LOC126863239 (MED14-independent group 3 enhancer GRCh37_chrX:39932994-39934193; plus strand). Cytogenetic location: Xp11.4.
Variant type: single nucleotide variant.
Coding change: c.1595T>C on transcript NM_001123385.2 (MANE Select); coding-DNA position 1595, T replaced by C.
Protein change: p.Leu532Ser; replaces leucine 532 with serine.
Molecular consequence: missense variant.
Genome position (GRCh38, 1-based): chrX:40,073,751, A>G on the plus strand (T>C on the coding strand, the complement: BCOR is on the minus strand). VCF-style: chrX-40073751-A-G. GRCh37 (hg19) VCF-style: chrX-39933004-A-G.
Other names: c.1595T>C, p.Leu532Ser (NM_001123383.2, NM_001123384.2, NM_017745.6); short protein forms L532S.
Identifiers: ClinVar variation 3252504 (VCV003252504.1), dbSNP rs2520014617.

ClinVar aggregate classification (germline): Uncertain significance (1 of 4 stars; one submission).

Allele frequency attached by ClinVar (database versions not stated): gnomAD exomes below 0.00001.
gnomAD v4.1: 2 of 1,212,491 alleles (0.00016%); highest among the groups gnomAD compares: South Asian, 0.0018%; no homozygotes.

Submission:

GeneDx
Classification: Uncertain significance. Last evaluated: 2023-10-03. Review status: criteria provided, single submitter. Criteria: GeneDx Variant Classification Process June 2021. Collection method: clinical testing. Allele origin: germline. Affected: yes.
Comment: Not observed at significant frequency in large population cohorts (gnomAD); In silico analysis supports that this missense variant has a deleterious effect on protein structure/function; Identified in a patient with developmental delay/intelectual disability, hypotonia, language delay, and autism spectrum disorder who also harbored a homozygous pathogenic variant in the PIGH gene in published literature (Tremblay-Laganiere et al., 2021); This variant is associated with the following publications: (PMID: 33156547)